The following is an entry in ClinVar:

ClinVar aggregate classification (germline): Uncertain significance (1 of 4 stars; one submission).

Conditions:
Hereditary cancer-predisposing syndrome. Also called: Hereditary Cancer Syndrome; Hereditary neoplastic syndrome; Neoplastic Syndromes, Hereditary; Tumor predisposition. Identifiers: Orphanet 140162, MedGen C0027672, MeSH D009386, MONDO:0015356.

Submission:

Ambry Genetics
Classification: Uncertain significance for Hereditary cancer-predisposing syndrome. Last evaluated: 2020-08-28. Review status: criteria provided, single submitter. Criteria: Ambry Variant Classification Scheme 2023. Collection method: clinical testing. Allele origin: germline.
Comment: The p.L347I variant (also known as c.1039C>A), located in coding exon 7 of the BRIP1 gene, results from a C to A substitution at nucleotide position 1039. The leucine at codon 347 is replaced by isoleucine, an amino acid with highly similar properties. This amino acid position is not well conserved in available vertebrate species. In addition, this alteration is predicted to be tolerated by in silico analysis. Since supporting evidence is limited at this time, the clinical significance of this alteration remains unclear.

NM_032043.3(BRIP1):c.1039C>A (p.Leu347Ile)

Gene: BRIP1 (BRCA1 interacting DNA helicase 1; minus strand). Cytogenetic location: 17q23.2.
Variant type: single nucleotide variant.
Coding change: c.1039C>A on transcript NM_032043.3 (MANE Select); coding-DNA position 1039, C replaced by A.
Protein change: p.Leu347Ile; replaces leucine 347 with isoleucine.
Molecular consequence: missense variant.
Genome position (GRCh38, 1-based): chr17:61,801,354, G>T on the plus strand (C>A on the coding strand, the complement: BRIP1 is on the minus strand). VCF-style: chr17-61801354-G-T. GRCh37 (hg19) VCF-style: chr17-59878715-G-T.
Other names: short protein forms L347I.
Identifiers: ClinVar variation 1773464 (VCV001773464.2), dbSNP rs2145336515, ClinGen allele CA400484058.
Genomic context (GRCh38, chr17:61,801,354, plus strand): 5'-AAAATATGATGTCAGCATCTTGTATTAGTTCTCGGGCTGTGTAATATGGACAGGCCTTTA[G>T]TTTCTTCCCCAGGCTGACAAGTTCTTCTATATCCCAGGCTTTGCACATCCCTTGGAAAGT-3'
Protein context (NP_114432.2, residues 337-357): IEELVSLGKK[Leu347Ile]KACPYYTARE